The following is an entry in ClinVar:

ClinVar aggregate classification (germline): Uncertain significance (1 of 4 stars; one submission).

Submission:

Labcorp Genetics (formerly Invitae), Labcorp
Classification: Uncertain significance. Last evaluated: 2023-12-15. Review status: criteria provided, single submitter. Criteria: Invitae Variant Classification Sherloc (09022015). Collection method: clinical testing. Allele origin: germline.
Comment: This sequence change replaces histidine, which is basic and polar, with aspartic acid, which is acidic and polar, at codon 418 of the FH protein (p.His418Asp). This variant is not present in population databases (gnomAD no frequency). This variant has not been reported in the literature in individuals affected with FH-related conditions. Advanced modeling of protein sequence and biophysical properties (such as structural, functional, and spatial information, amino acid conservation, physicochemical variation, residue mobility, and thermodynamic stability) has been performed at Invitae for this missense variant, however the output from this modeling did not meet the statistical confidence thresholds required to predict the impact of this variant on FH protein function. In summary, the available evidence is currently insufficient to determine the role of this variant in disease. Therefore, it has been classified as a Variant of Uncertain Significance.

NM_000143.4(FH):c.1252C>G (p.His418Asp)

Gene: FH (fumarate hydratase; minus strand). Cytogenetic location: 1q43.
Variant type: single nucleotide variant.
Coding change: c.1252C>G on transcript NM_000143.4 (MANE Select); coding-DNA position 1252, C replaced by G.
Protein change: p.His418Asp; replaces histidine 418 with aspartic acid.
Molecular consequence: missense variant.
Genome position (GRCh38, 1-based): chr1:241,500,575, G>C on the plus strand (C>G on the coding strand, the complement: FH is on the minus strand). VCF-style: chr1-241500575-G-C. GRCh37 (hg19) VCF-style: chr1-241663875-G-C.
Other names: short protein forms H418D.
Identifiers: ClinVar variation 2768600 (VCV002768600.3), dbSNP rs2527313187, ClinGen allele CA345436895.